The following is an entry in ClinVar:

NM_001039591.3(USP9X):c.6818A>C (p.Gln2273Pro)

Gene: USP9X (ubiquitin specific peptidase 9 X-linked; plus strand). Cytogenetic location: Xp11.4.
Variant type: single nucleotide variant.
Coding change: c.6818A>C on transcript NM_001039591.3 (MANE Select); coding-DNA position 6818, A replaced by C.
Protein change: p.Gln2273Pro; replaces glutamine 2273 with proline.
Molecular consequence: missense variant.
Genome position (GRCh38, 1-based): chrX:41,224,808, A>C. VCF-style: chrX-41224808-A-C. GRCh37 (hg19) VCF-style: chrX-41084061-A-C.
Other names: c.6818A>C, p.Gln2273Pro (NM_001039590.3); c.6833A>C, p.Gln2278Pro (NM_001410748.1, NM_001410749.1); short protein forms Q2278P, Q2273P.
Identifiers: ClinVar variation 4056034 (VCV004056034.1).

ClinVar aggregate classification (germline): Uncertain significance (1 of 4 stars; one submission).

Submission:

GeneDx
Classification: Uncertain significance. Last evaluated: 2025-01-06. Review status: criteria provided, single submitter. Criteria: GeneDx Variant Classification Process June 2021. Collection method: clinical testing. Allele origin: germline. Affected: yes.
Comment: Not observed at significant frequency in large population cohorts (gnomAD); In silico analysis indicates that this missense variant does not alter protein structure/function; Has not been previously published as pathogenic or benign to our knowledge